The following is an entry in ClinVar:

ClinVar aggregate classification (germline): Uncertain significance (1 of 4 stars; one submission).

Conditions:
Bethlem myopathy 1A. Also called: MYOPATHY, BENIGN CONGENITAL, WITH CONTRACTURES; Bethlem Muscular Dystrophy; Bethlem myopathy 1. Identifiers: Orphanet 610, MedGen CN029274, MONDO:0024530, OMIM 158810.

Allele frequency attached by ClinVar (database versions not stated): gnomAD 0.00003 and 0.00004; TOPMed 0.00006.
gnomAD v4.1: 18 of 1,608,606 alleles (0.0011%); highest among the groups gnomAD compares: Admixed American, 0.0068%; no homozygotes.

Submission:

Labcorp Genetics (formerly Invitae), Labcorp
Classification: Uncertain significance for Bethlem myopathy 1A. Last evaluated: 2024-07-01. Review status: criteria provided, single submitter. Criteria: Invitae Variant Classification Sherloc (09022015). Collection method: clinical testing. Allele origin: germline.
Comment: This sequence change replaces proline, which is neutral and non-polar, with leucine, which is neutral and non-polar, at codon 466 of the COL6A1 protein (p.Pro466Leu). This variant is present in population databases (no rsID available, gnomAD 0.009%). This variant has not been reported in the literature in individuals affected with COL6A1-related conditions. ClinVar contains an entry for this variant (Variation ID: 543004). An algorithm developed to predict the effect of missense changes on protein structure and function (PolyPhen-2) suggests that this variant is likely to be disruptive. In summary, the available evidence is currently insufficient to determine the role of this variant in disease. Therefore, it has been classified as a Variant of Uncertain Significance.

NM_001848.3(COL6A1):c.1397C>T (p.Pro466Leu)

Gene: COL6A1 (collagen type VI alpha 1 chain; plus strand). Cytogenetic location: 21q22.3.
Variant type: single nucleotide variant.
Coding change: c.1397C>T on transcript NM_001848.3 (MANE Select); coding-DNA position 1397, C replaced by T.
Protein change: p.Pro466Leu; replaces proline 466 with leucine.
Molecular consequence: missense variant.
Genome position (GRCh38, 1-based): chr21:45,994,228, C>T. VCF-style: chr21-45994228-C-T. GRCh37 (hg19) VCF-style: chr21-47414142-C-T.
Other names: short protein forms P466L.
Identifiers: ClinVar variation 543004 (VCV000543004.10), dbSNP rs746962124, ClinGen allele CA321970274.